The following is an entry in ClinVar:

NM_198578.4(LRRK2):c.4795G>C (p.Glu1599Gln)

Gene: LRRK2 (leucine rich repeat kinase 2; plus strand). Cytogenetic location: 12q12.
Variant type: single nucleotide variant.
Coding change: c.4795G>C on transcript NM_198578.4 (MANE Select); coding-DNA position 4795, G replaced by C.
Protein change: p.Glu1599Gln; replaces glutamic acid 1599 with glutamine.
Molecular consequence: missense variant.
Genome position (GRCh38, 1-based): chr12:40,315,268, G>C. VCF-style: chr12-40315268-G-C. GRCh37 (hg19) VCF-style: chr12-40709070-G-C.
Other names: short protein forms E1599Q.
Identifiers: ClinVar variation 2447275 (VCV002447275.2), dbSNP rs769271881, ClinGen allele CA6514281.
Genomic context (GRCh38, chr12:40,315,268, plus strand): 5'-ACAGGAGTCCTTCTTCATTTTCAAGACCCAGCACTGCAGTTAAGTGACTTGTACTTTGTG[G>C]AACCCAAGTGGCTTTGTAAAATCATGGCACAGGTTGGTGTCTTTTATTTTTGTGGCACGG-3'
Protein context (NP_940980.4, residues 1589-1609): ALQLSDLYFV[Glu1599Gln]PKWLCKIMAQ

ClinVar aggregate classification (germline): Uncertain significance (1 of 4 stars; one submission).

Conditions:
Inborn genetic diseases. Identifiers: MedGen C0950123, MeSH D030342.

Allele frequency attached by ClinVar (database versions not stated): ExAC 0.00001.
gnomAD v4.1: 6 of 1,612,696 alleles (0.00037%); highest among the groups gnomAD compares: Non-Finnish European, 0.00051%; no homozygotes.

Submission:

Ambry Genetics
Classification: Uncertain significance for Inborn genetic diseases. Last evaluated: 2022-11-10. Review status: criteria provided, single submitter. Criteria: Ambry Variant Classification Scheme 2023. Collection method: clinical testing. Allele origin: germline.
Comment: The p.E1599Q variant (also known as c.4795G>C), located in coding exon 33 of the LRRK2 gene, results from a G to C substitution at nucleotide position 4795. The glutamic acid at codon 1599 is replaced by glutamine, an amino acid with highly similar properties. This amino acid position is conserved. In addition, this alteration is predicted to be tolerated by in silico analysis. Since supporting evidence is limited at this time, the clinical significance of this alteration remains unclear.